The following is an entry in ClinVar:

ClinVar aggregate classification (germline): Uncertain significance (1 of 4 stars; one submission).

Conditions:
Ehlers-Danlos syndrome, classic type, 1 (EDSCL1). Also called: EDS I; EHLERS-DANLOS SYNDROME, GRAVIS TYPE; EHLERS-DANLOS SYNDROME, SEVERE CLASSIC TYPE; Ehlers-Danlos syndrome, type 1; Ehlers-Danlos Syndrome, Classic Type, COL5A1-Related. Identifiers: MedGen C0268335, MONDO:0019567, OMIM 130000.

Submission:

Labcorp Genetics (formerly Invitae), Labcorp
Classification: Uncertain significance for Ehlers-Danlos syndrome, classic type, 1. Last evaluated: 2022-12-20. Review status: criteria provided, single submitter. Criteria: Invitae Variant Classification Sherloc (09022015). Collection method: clinical testing. Allele origin: germline.
Comment: Advanced modeling of protein sequence and biophysical properties (such as structural, functional, and spatial information, amino acid conservation, physicochemical variation, residue mobility, and thermodynamic stability) performed at Invitae indicates that this missense variant is not expected to disrupt COL5A1 protein function. In summary, the available evidence is currently insufficient to determine the role of this variant in disease. Therefore, it has been classified as a Variant of Uncertain Significance. This variant has not been reported in the literature in individuals affected with COL5A1-related conditions. This variant is not present in population databases (gnomAD no frequency). This sequence change replaces proline, which is neutral and non-polar, with leucine, which is neutral and non-polar, at codon 1187 of the COL5A1 protein (p.Pro1187Leu).

NM_000093.5(COL5A1):c.3560C>T (p.Pro1187Leu)

Gene: COL5A1 (collagen type V alpha 1 chain; plus strand). Cytogenetic location: 9q34.3.
Variant type: single nucleotide variant.
Coding change: c.3560C>T on transcript NM_000093.5 (MANE Select); coding-DNA position 3560, C replaced by T.
Protein change: p.Pro1187Leu; replaces proline 1187 with leucine.
Molecular consequence: missense variant.
Genome position (GRCh38, 1-based): chr9:134,811,370, C>T. VCF-style: chr9-134811370-C-T. GRCh37 (hg19) VCF-style: chr9-137703216-C-T.
Other names: c.3560C>T, p.Pro1187Leu (NM_001278074.1); short protein forms P1187L.
Identifiers: ClinVar variation 3008169 (VCV003008169.3), dbSNP rs2490818521, ClinGen allele CA375453867.